The following is an entry in ClinVar:

ClinVar aggregate classification (germline): Uncertain significance (1 of 4 stars; one submission).

Allele frequency attached by ClinVar (database versions not stated): TOPMed 0.00001.
gnomAD v4.1: 3 of 1,611,376 alleles (0.00019%); highest among the groups gnomAD compares: Admixed American, 0.0051%; no homozygotes.

Submission:

Labcorp Genetics (formerly Invitae), Labcorp
Classification: Uncertain significance. Last evaluated: 2022-05-07. Review status: criteria provided, single submitter. Criteria: Invitae Variant Classification Sherloc (09022015). Collection method: clinical testing. Allele origin: germline.
Comment: In summary, the available evidence is currently insufficient to determine the role of this variant in disease. Therefore, it has been classified as a Variant of Uncertain Significance. Algorithms developed to predict the effect of missense changes on protein structure and function (SIFT, PolyPhen-2, Align-GVGD) all suggest that this variant is likely to be tolerated. This variant has not been reported in the literature in individuals affected with NDUFA9-related conditions. This variant is present in population databases (no rsID available, gnomAD 0.009%). This sequence change replaces methionine, which is neutral and non-polar, with valine, which is neutral and non-polar, at codon 76 of the NDUFA9 protein (p.Met76Val).

NM_005002.5(NDUFA9):c.226A>G (p.Met76Val)

Gene: NDUFA9 (NADH:ubiquinone oxidoreductase subunit A9; plus strand). Cytogenetic location: 12p13.32.
Variant type: single nucleotide variant.
Coding change: c.226A>G on transcript NM_005002.5 (MANE Select); coding-DNA position 226, A replaced by G.
Protein change: p.Met76Val; replaces methionine 76 with valine.
Molecular consequence: missense variant.
Genome position (GRCh38, 1-based): chr12:4,654,830, A>G. VCF-style: chr12-4654830-A-G. GRCh37 (hg19) VCF-style: chr12-4763996-A-G.
Other names: short protein forms M76V.
Identifiers: ClinVar variation 1926719 (VCV001926719.5), dbSNP rs1442080888, ClinGen allele CA383448822.